The following is an entry in ClinVar:

NM_001128178.3(NPHP1):c.1699G>A (p.Val567Met)

Gene: NPHP1 (nephrocystin 1; minus strand). Cytogenetic location: 2q13.
Variant type: single nucleotide variant.
Coding change: c.1699G>A on transcript NM_001128178.3 (MANE Select); coding-DNA position 1699, G replaced by A.
Protein change: p.Val567Met; replaces valine 567 with methionine.
Molecular consequence: missense variant.
Genome position (GRCh38, 1-based): chr2:110,129,203, C>T on the plus strand (G>A on the coding strand, the complement: NPHP1 is on the minus strand). VCF-style: chr2-110129203-C-T. GRCh37 (hg19) VCF-style: chr2-110886780-C-T.
Other names: c.1867G>A, p.Val623Met (NM_000272.5); c.1510G>A, p.Val504Met (NM_001128179.3); c.1696G>A, p.Val566Met (NM_001374256.1); c.1699G>A, p.Val567Met (NM_001374257.1); c.1864G>A, p.Val622Met (NM_207181.4); short protein forms V622M, V504M, V567M, V623M, V566M.
Identifiers: ClinVar variation 2054154 (VCV002054154.1), dbSNP rs2467154856, ClinGen allele CA348086797.

ClinVar aggregate classification (germline): Uncertain significance (1 of 4 stars; one submission).

Conditions:
Nephronophthisis. Also called: Juvenile Nephronophthisis. Identifiers: Orphanet 655, MedGen C0687120, MONDO:0019005, HP:0000090.

gnomAD v4.1: 1 of 1,613,036 alleles (0.000062%); no homozygotes.

Submission:

Labcorp Genetics (formerly Invitae), Labcorp
Classification: Uncertain significance for Nephronophthisis. Last evaluated: 2022-07-26. Review status: criteria provided, single submitter. Criteria: Invitae Variant Classification Sherloc (09022015). Collection method: clinical testing. Allele origin: germline.
Comment: This sequence change replaces valine, which is neutral and non-polar, with methionine, which is neutral and non-polar, at codon 623 of the NPHP1 protein (p.Val623Met). This variant is not present in population databases (gnomAD no frequency). This variant has not been reported in the literature in individuals affected with NPHP1-related conditions. Algorithms developed to predict the effect of missense changes on protein structure and function output the following: SIFT: "Tolerated"; PolyPhen-2: "Benign"; Align-GVGD: "Class C0". The methionine amino acid residue is found in multiple mammalian species, which suggests that this missense change does not adversely affect protein function. In summary, the available evidence is currently insufficient to determine the role of this variant in disease. Therefore, it has been classified as a Variant of Uncertain Significance.